The following is an entry in ClinVar:

NM_024596.5(MCPH1):c.2346C>T (p.Cys782=)

Genes: MCPH1 (microcephalin 1; plus strand), MCPH1-AS1 (MCPH1 antisense RNA 1; minus strand). Cytogenetic location: 8p23.1.
Variant type: single nucleotide variant.
Coding change: c.2346C>T on transcript NM_024596.5 (MANE Select); coding-DNA position 2346, C replaced by T.
Protein change: p.Cys782=; no amino-acid change (cysteine 782 retained).
Molecular consequence: synonymous variant. On other transcripts: non-coding transcript variant (1).
Genome position (GRCh38, 1-based): chr8:6,621,585, C>T. VCF-style: chr8-6621585-C-T. GRCh37 (hg19) VCF-style: chr8-6479106-C-T.
Other names: c.2346C>T, p.Cys782= (NM_001322042.2, NM_001363979.1); c.2067C>T, p.Cys689= (NM_001363980.2); c.2346C>T (NM_001322042.1).
Identifiers: ClinVar variation 1535743 (VCV001535743.9), dbSNP rs372319072, ClinGen allele CA4611503.
Genomic context (GRCh38, chr8:6,621,585, plus strand): 5'-GTTTGTCTCGCCTGCCAGCAGCCCCCCAGTGGCCAAGCTCTGTGAACTAGTCCACCTGTG[C>T]GGAGGCCGGGTCAGCCAAGTCCCCCGCCAGGCCAGCATCGTCATCGGGCCCTACAGCGGA-3'
Protein context (NP_078872.3, residues 772-792): VAKLCELVHL[Cys782=]GGRVSQVPRQ

ClinVar aggregate classification (germline): Likely benign. Review status: criteria provided, single submitter (1 of 4 stars). 2 submissions from 2 submitters: Likely benign (1). 1 of the submissions does not count toward it. Last evaluated 2023-07-17.

Conditions:
MCPH1-related disorder. Also called: MCPH1-related condition.

Allele frequency attached by ClinVar (database versions not stated): ExAC 0.00001; gnomAD exomes 0.00001.
gnomAD v4.1: 46 of 1,614,096 alleles (0.0028%); highest among the groups gnomAD compares: Non-Finnish European, 0.0035%; no homozygotes.

Submissions (2):

Labcorp Genetics (formerly Invitae), Labcorp
Classification: Likely benign. Last evaluated: 2023-07-17. Review status: criteria provided, single submitter. Criteria: Invitae Variant Classification Sherloc (09022015). Collection method: clinical testing. Allele origin: germline.

PreventionGenetics, part of Exact Sciences
Classification: Likely benign for MCPH1-related condition. Last evaluated: 2019-11-07. Review status: no assertion criteria provided. Collection method: clinical testing. Allele origin: germline. Not counted in ClinVar's aggregate classification.
Comment: This variant is classified as likely benign based on ACMG/AMP sequence variant interpretation guidelines (Richards et al. 2015 PMID: 25741868, with internal and published modifications).